The following is an entry in ClinVar:

NM_016507.4(CDK12):c.3734C>G (p.Pro1245Arg)

Gene: CDK12 (cyclin dependent kinase 12; plus strand). Cytogenetic location: 17q12.
Variant type: single nucleotide variant.
Coding change: c.3734C>G on transcript NM_016507.4 (MANE Select); coding-DNA position 3734, C replaced by G.
Protein change: p.Pro1245Arg; replaces proline 1245 with arginine.
Molecular consequence: missense variant.
Genome position (GRCh38, 1-based): chr17:39,526,290, C>G. VCF-style: chr17-39526290-C-G. GRCh37 (hg19) VCF-style: chr17-37682543-C-G.
Other names: c.3734C>G, p.Pro1245Arg (NM_015083.4); short protein forms P1245R.
Identifiers: ClinVar variation 3489224 (VCV003489224.1).

ClinVar aggregate classification (germline): Uncertain significance (1 of 4 stars; one submission).

gnomAD v4.1: 15 of 1,597,256 alleles (0.00094%); highest among the groups gnomAD compares: South Asian, 0.01%; no homozygotes.

Submission:

Ambry Genetics
Classification: Uncertain significance. Last evaluated: 2024-11-21. Review status: criteria provided, single submitter. Criteria: Ambry Variant Classification Scheme 2023. Collection method: clinical testing. Allele origin: germline.
Comment: The p.P1245R variant (also known as c.3734C>G), located in coding exon 13 of the CDK12 gene, results from a C to G substitution at nucleotide position 3734. The proline at codon 1245 is replaced by arginine, an amino acid with dissimilar properties. This amino acid position is conserved. In addition, this alteration is predicted to be tolerated by in silico analysis. Based on the available evidence, the clinical significance of this variant remains unclear.